The following is an entry in ClinVar:

ClinVar aggregate classification (germline): Likely pathogenic. Review status: criteria provided, multiple submitters, no conflicts (2 of 4 stars). 2 submissions from 2 submitters: Likely pathogenic (2). Last evaluated 2023-09-05.

Conditions:
Hereditary cancer-predisposing syndrome. Also called: Neoplastic Syndromes, Hereditary; Tumor predisposition; Hereditary Cancer Syndrome; Hereditary neoplastic syndrome. Identifiers: Orphanet 140162, MedGen C0027672, MeSH D009386, MONDO:0015356.
Familial cancer of breast. Also called: hereditary breast carcinoma; BREAST CANCER, FAMILIAL; Hereditary breast cancer. Identifiers: Orphanet 227535, MedGen C0346153, MONDO:0016419, OMIM 114480. Disease mechanism: loss of function.

Submissions (2):

Myriad Genetics, Inc.
Classification: Likely pathogenic for Familial cancer of breast. Last evaluated: 2023-09-05. Review status: criteria provided, single submitter. Criteria: Myriad Autosomal Dominant, Autosomal Recessive and X-Linked Classification Criteria (2023). Collection method: clinical testing. Allele origin: unknown.
Comment: This variant is considered likely pathogenic. This variant occurs within a consensus splice junction and is predicted to result in abnormal mRNA splicing of either an out-of-frame exon or an in-frame exon necessary for protein stability and/or normal function.

Ambry Genetics
Classification: Likely pathogenic for Hereditary cancer-predisposing syndrome. Last evaluated: 2020-01-29. Review status: criteria provided, single submitter. Criteria: Ambry Variant Classification Scheme 2023. Collection method: clinical testing. Allele origin: germline.
Comment: The c.9_48+118del158 variant is a deletion of 158 nucleotides beginning in coding exon 1 of the PALB2 gene and extending into intron 1. This alteration removes the last 40 nucleotides of coding exon 1 and the first 118 nucleotides of intron 1, including the splice donor site. Using the BDGP and ESEfinder splice site prediction tools, this alteration is predicted to abolish the native donor splice site; however, direct evidence is unavailable. Alterations that disrupt the canonical splice site are expected to cause aberrant splicing, resulting in an abnormal protein or a transcript that is subject to nonsense-mediated mRNA decay. As such, this alteration is classified as likely pathogenic.

NM_024675.4(PALB2):c.9_48+118del

Gene: PALB2 (partner and localizer of BRCA2; minus strand). Cytogenetic location: 16p12.2.
Variant type: Deletion.
Coding change: c.9_48+118del on transcript NM_024675.4 (MANE Select); coding-DNA position 9 through 118 bases into the intron after coding-DNA position 48, 158 bases deleted.
Molecular consequence: splice donor variant.
Genome position (GRCh38, 1-based): chr16:23,640,992-23,641,149, 158 bases deleted. GRCh37 (hg19): chr16:23,652,313-23,652,470.
Other names: c.-1735_-1578del158 (NM_001407304.1, NM_001407310.1).
Identifiers: ClinVar variation 1765428 (VCV001765428.3), dbSNP rs2506568316, ClinGen allele CA2580091235.